The following is an entry in ClinVar:

ClinVar aggregate classification (germline): Uncertain significance (1 of 4 stars; one submission).

Allele frequency attached by ClinVar (database versions not stated): gnomAD exomes below 0.00001.
gnomAD v4.1: 1 of 1,611,038 alleles (0.000062%); highest among the groups gnomAD compares: Middle Eastern, 0.017%; no homozygotes.

Submission:

Labcorp Genetics (formerly Invitae), Labcorp
Classification: Uncertain significance. Last evaluated: 2022-05-19. Review status: criteria provided, single submitter. Criteria: Invitae Variant Classification Sherloc (09022015). Collection method: clinical testing. Allele origin: germline.
Comment: In summary, the available evidence is currently insufficient to determine the role of this variant in disease. Therefore, it has been classified as a Variant of Uncertain Significance. Algorithms developed to predict the effect of missense changes on protein structure and function output the following: SIFT: "Deleterious"; PolyPhen-2: "Probably Damaging"; Align-GVGD: "Class C0". The serine amino acid residue is found in multiple mammalian species, which suggests that this missense change does not adversely affect protein function. This variant has not been reported in the literature in individuals affected with ZNF408-related conditions. This variant is not present in population databases (gnomAD no frequency). This sequence change replaces glycine, which is neutral and non-polar, with serine, which is neutral and polar, at codon 719 of the ZNF408 protein (p.Gly719Ser).

NM_024741.3(ZNF408):c.2155G>A (p.Gly719Ser)

Gene: ZNF408 (zinc finger protein 408; plus strand). Cytogenetic location: 11p11.2.
Variant type: single nucleotide variant.
Coding change: c.2155G>A on transcript NM_024741.3 (MANE Select); coding-DNA position 2155, G replaced by A.
Protein change: p.Gly719Ser; replaces glycine 719 with serine.
Molecular consequence: missense variant.
Genome position (GRCh38, 1-based): chr11:46,705,855, G>A. VCF-style: chr11-46705855-G-A. GRCh37 (hg19) VCF-style: chr11-46727405-G-A.
Other names: c.2131G>A, p.Gly711Ser (NM_001184751.2); short protein forms G719S, G711S.
Identifiers: ClinVar variation 1996334 (VCV001996334.4), dbSNP rs2502798241, ClinGen allele CA380258303.